The following is an entry in ClinVar:

NM_007294.4(BRCA1):c.302-8T>G

Gene: BRCA1 (BRCA1 DNA repair associated; minus strand). Cytogenetic location: 17q21.31.
Variant type: single nucleotide variant.
Coding change: c.302-8T>G on transcript NM_007294.4 (MANE Select); 8 bases into the intron before coding-DNA position 302, T replaced by G.
Molecular consequence: intron variant.
Genome position (GRCh38, 1-based): chr17:43,104,269, A>C on the plus strand (T>G on the coding strand, the complement: BRCA1 is on the minus strand). VCF-style: chr17-43104269-A-C. GRCh37 (hg19) VCF-style: chr17-41256286-A-C.
Other names: c.161-8T>G (NM_001408458.1, NM_001407931.1, NM_001407747.1 and 99 more transcripts); c.-218-9409T>G (NM_001407967.1, NM_001407966.1); c.-80-8T>G (NM_001407959.1, NM_001407962.1, NM_001408512.1 and 4 more transcripts); c.92-8T>G (NM_001407885.1, NM_001407886.1, NM_001407898.1 and 58 more transcripts); c.302-8T>G (NM_001407686.1, NM_001408397.1, NM_001407632.1 and 164 more transcripts); c.170-8T>G (NM_001408451.1); c.224-8T>G (NM_001408475.1, NM_001407875.1, NM_001407659.1 and 21 more transcripts); c.293-8T>G (NM_001408408.1, NM_001407647.1, NM_001407646.1).
Identifiers: ClinVar variation 240785 (VCV000240785.12), dbSNP rs878854942, ClinGen allele CA10583596.

ClinVar aggregate classification (germline): Uncertain significance. Review status: criteria provided, multiple submitters, no conflicts (2 of 4 stars). 3 submissions from 3 submitters: Uncertain significance (3). Last evaluated 2025-04-15.

Conditions:
Hereditary breast ovarian cancer syndrome. Also called: Hereditary breast and ovarian cancer syndrome (HBOC); Breast and ovarian cancer; Hereditary breast and ovarian cancer syndrome; Hereditary breast and ovarian cancer; BRCA1- and BRCA2-Associated Hereditary Breast and Ovarian Cancer; Hereditary breast and/or ovarian cancer syndrome. Identifiers: Orphanet 145, MedGen C0677776, MeSH D061325, MONDO:0003582. Disease mechanism: loss of function.
Breast-ovarian cancer, familial, susceptibility to, 1 (BROVCA1). Also called: BRCA1 Hereditary Breast and Ovarian Cancer; OVARIAN CANCER, SUSCEPTIBILITY TO. Identifiers: Orphanet 145, MedGen C2676676, MONDO:0011450, OMIM 604370. Disease mechanism: loss of function.

Submissions (3):

Quest Diagnostics Nichols Institute San Juan Capistrano
Classification: Uncertain significance. Last evaluated: 2025-04-15. Review status: criteria provided, single submitter. Criteria: Quest Diagnostics criteria. Collection method: clinical testing. Allele origin: unknown.
Comment: The BRCA1 c.302-8T>G variant has not been reported in individuals with BRCA1-related conditions in the published literature. It also has not been reported in large, multi-ethnic general populations (Genome Aggregation Database). Analysis of this variant using software algorithms for the prediction of the effect of nucleotide changes on splicing yielded predictions that this variant may affect proper BRCA1 mRNA splicing. Based on the available information, we are unable to determine the clinical significance of this variant.

Labcorp Genetics (formerly Invitae), Labcorp
Classification: Uncertain significance for Hereditary breast ovarian cancer syndrome. Last evaluated: 2023-01-12. Review status: criteria provided, single submitter. Criteria: Invitae Variant Classification Sherloc (09022015). Collection method: clinical testing. Allele origin: germline.
Comment: Algorithms developed to predict the effect of sequence changes on RNA splicing suggest that this variant may disrupt the consensus splice site. In summary, the available evidence is currently insufficient to determine the role of this variant in disease. Therefore, it has been classified as a Variant of Uncertain Significance. ClinVar contains an entry for this variant (Variation ID: 240785). This variant has not been reported in the literature in individuals affected with BRCA1-related conditions. This variant is not present in population databases (gnomAD no frequency). This sequence change falls in intron 5 of the BRCA1 gene. It does not directly change the encoded amino acid sequence of the BRCA1 protein.

Baylor Genetics
Classification: Uncertain significance for Breast-ovarian cancer, familial, susceptibility to, 1. Last evaluated: 2022-01-14. Review status: criteria provided, single submitter. Criteria: ACMG Guidelines, 2015. Collection method: clinical testing. Allele origin: unknown.